The following is an entry in ClinVar:

ClinVar aggregate classification (germline): Uncertain significance. Review status: criteria provided, multiple submitters, no conflicts (2 of 4 stars). 2 submissions from 2 submitters: Uncertain significance (2). Last evaluated 2024-11-11.

Conditions:
ADULT syndrome. Also called: ACRO-DERMATO-UNGUAL-LACRIMAL-TOOTH SYNDROME; Acro-Dermo-Ungual-Lacrimal-Tooth Syndrome (ADULT Syndrome); Acro-dermato-ungual-lacrimal-tooth (adult) syndrome. Identifiers: Orphanet 978, MedGen C1863204, MONDO:0007072, OMIM 103285.
Ankyloblepharon-ectodermal defects-cleft lip/palate syndrome. Also called: Hay-Wells syndrome of ectodermal dysplasia; AEC SYNDROME; HAY-WELLS SYNDROME; Ankyloblepharon-Ectodermal Defects-Cleft Lip/Palate Syndrome (AEC Syndrome); Ankyloblepharon-ectodermal defects, cleft lip/palate. Identifiers: Orphanet 1071, MedGen C0406709, MONDO:0007124, OMIM 106260.
Orofacial cleft 8. Also called: Cleft lip with or without cleft palate, nonsyndromic, 8. Identifiers: MedGen C1851878, MONDO:0029145, OMIM 618149.
Limb-mammary syndrome (LMS). Also called: Mammary hypoplasia, ectrodactyly, and other hand/foot anomalies. Identifiers: Orphanet 69085, MedGen C1863753, MONDO:0011334, OMIM 603543.
Ectrodactyly, ectodermal dysplasia, and cleft lip-palate syndrome 3. Also called: Ectrodactyly, Ectodermal Dysplasia, Clefting Syndrome; EEC SYNDROME 3; Ectrodactyly, Ectodermal Dysplasia, Clefting Syndrome Type 3 (EEC3); Ectrodactyly, Ectodermal Dysplasia, Cleft Lip/Palate Syndrome 3 (EEC3). Identifiers: Orphanet 1896, MedGen C1858562, MONDO:0011428, OMIM 604292.
Rapp-Hodgkin syndrome (RHS). Also called: ECTODERMAL DYSPLASIA, ANHIDROTIC, WITH CLEFT LIP/PALATE; Isolated Cleft Lip/Cleft Palate (Orofacial Cleft 8); Rapp-Hodgkin ectodermal dysplasia syndrome. Identifiers: MedGen C1785148, MONDO:0007508, OMIM 129400.
Split hand-foot malformation 4. Also called: Split-Hand/Foot Malformation Type 4 (SHFM4 syndrome); Split-Hand/Foot Malformation Type 4 (SHFM4). Identifiers: Orphanet 2440, MedGen C1854442, MONDO:0011535, OMIM 605289.
TP63-Related Spectrum Disorders.

Allele frequency attached by ClinVar (database versions not stated): TOPMed 0.00008; gnomAD exomes 0.00015 and 0.00006; ExAC 0.00005; gnomAD 0.00008 and 0.00009.
gnomAD v4.1: 231 of 1,613,826 alleles (0.014%); highest among the groups gnomAD compares: Non-Finnish European, 0.018%; no homozygotes.

Submissions (2):

Labcorp Genetics (formerly Invitae), Labcorp
Classification: Uncertain significance. Last evaluated: 2024-11-11. Review status: criteria provided, single submitter. Criteria: Invitae Variant Classification Sherloc (09022015). Collection method: clinical testing. Allele origin: germline.
Comment: This sequence change replaces threonine, which is neutral and polar, with methionine, which is neutral and non-polar, at codon 374 of the TP63 protein (p.Thr374Met). This variant is present in population databases (rs199807776, gnomAD 0.01%), and has an allele count higher than expected for a pathogenic variant. This variant has not been reported in the literature in individuals affected with TP63-related conditions. ClinVar contains an entry for this variant (Variation ID: 1038841). Invitae Evidence Modeling incorporating data from in vitro experimental studies (internal data) indicates that this missense variant is not expected to disrupt TP63 function with a negative predictive value of 80%. In summary, the available evidence is currently insufficient to determine the role of this variant in disease. Therefore, it has been classified as a Variant of Uncertain Significance.

Fulgent Genetics
Classification: Uncertain significance for ADULT syndrome; Ankyloblepharon-ectodermal defects-cleft lip/palate syndrome; Rapp-Hodgkin syndrome; Limb-mammary syndrome; Ectrodactyly, ectodermal dysplasia, and cleft lip-palate syndrome 3; Split hand-foot malformation 4; Orofacial cleft 8. Last evaluated: 2022-03-17. Review status: criteria provided, single submitter. Criteria: ACMG Guidelines, 2015. Collection method: clinical testing. Allele origin: unknown.

NM_003722.5(TP63):c.1121C>T (p.Thr374Met)

Gene: TP63 (tumor protein p63; plus strand). Cytogenetic location: 3q28.
Variant type: single nucleotide variant.
Coding change: c.1121C>T on transcript NM_003722.5 (MANE Select); coding-DNA position 1121, C replaced by T.
Protein change: p.Thr374Met; replaces threonine 374 with methionine.
Molecular consequence: missense variant. On other transcripts: intron variant (3).
Genome position (GRCh38, 1-based): chr3:189,868,708, C>T. VCF-style: chr3-189868708-C-T. GRCh37 (hg19) VCF-style: chr3-189586497-C-T.
Other names: c.839C>T, p.Thr280Met (NM_001114980.2, NM_001114981.2, NM_001114982.2 and 1 more transcripts); c.1121C>T, p.Thr374Met (NM_001329144.2, NM_001114978.2, NM_001114979.2); c.584C>T, p.Thr195Met (NM_001329146.2); c.1115C>T, p.Thr372Met (NM_001329964.2); c.1117+4C>T (NM_001329148.2); c.835+4C>T (NM_001329149.2); c.580+4C>T (NM_001329150.2); short protein forms T195M, T374M, T372M, T280M.
Identifiers: ClinVar variation 1038841 (VCV001038841.5), dbSNP rs199807776, ClinGen allele CA2752344.
Genomic context (GRCh38, chr3:189,868,708, plus strand): 5'-CGGATGAAGATAGCATCAGAAAGCAGCAAGTTTCGGACAGTACAAAGAACGGTGATGGTA[C>T]GAAGCGCCGTAAGTAGATGTAGTGGCCAAATGGGGTAGGGTTGAATCTTCTCCAGATGTT-3'
Protein context (NP_003713.3, residues 364-384): VSDSTKNGDG[Thr374Met]KRPFRQNTHG